The following is an entry in ClinVar:

NM_001378454.1(ALMS1):c.11365C>T (p.Arg3789Trp)

Gene: ALMS1 (ALMS1 centrosome and basal body associated protein; plus strand). Cytogenetic location: 2p13.1.
Variant type: single nucleotide variant.
Coding change: c.11365C>T on transcript NM_001378454.1 (MANE Select); coding-DNA position 11365, C replaced by T.
Protein change: p.Arg3789Trp; replaces arginine 3789 with tryptophan.
Molecular consequence: missense variant.
Genome position (GRCh38, 1-based): chr2:73,573,242, C>T. VCF-style: chr2-73573242-C-T. GRCh37 (hg19) VCF-style: chr2-73800369-C-T.
Other names: c.11368C>T, p.Arg3790Trp (NM_015120.4); short protein forms R3789W, R3790W.
Identifiers: ClinVar variation 1053690 (VCV001053690.9), dbSNP rs752623561, ClinGen allele CA1715174.

ClinVar aggregate classification (germline): Uncertain significance. Review status: criteria provided, multiple submitters, no conflicts (2 of 4 stars). 3 submissions from 3 submitters: Uncertain significance (2). 1 of the submissions does not count toward it. Last evaluated 2025-10-16.

Conditions:
Cardiovascular phenotype. Identifiers: MedGen CN230736.
Alstrom syndrome (ALMS). Identifiers: Orphanet 64, MedGen C0268425, MONDO:0008763, OMIM 203800.

Allele frequency attached by ClinVar (database versions not stated): ExAC 0.00002; gnomAD exomes 0.00002; TOPMed 0.00002; gnomAD 0.00003.
gnomAD v4.1: 32 of 1,613,630 alleles (0.002%); highest among the groups gnomAD compares: South Asian, 0.0044%; no homozygotes.

Submissions (3):

Ambry Genetics
Classification: Uncertain significance for Cardiovascular phenotype. Last evaluated: 2025-10-16. Review status: criteria provided, single submitter. Criteria: Ambry Variant Classification Scheme 2023. Collection method: clinical testing. Allele origin: germline.
Comment: The p.R3790W variant (also known as c.11368C>T), located in coding exon 16 of the ALMS1 gene, results from a C to T substitution at nucleotide position 11368. The arginine at codon 3790 is replaced by tryptophan, an amino acid with dissimilar properties. This amino acid position is well conserved in available vertebrate species. In addition, the in silico prediction for this alteration is inconclusive. Based on the available evidence, the clinical significance of this variant remains unclear.

Labcorp Genetics (formerly Invitae), Labcorp
Classification: Uncertain significance for Alstrom syndrome. Last evaluated: 2022-06-14. Review status: criteria provided, single submitter. Criteria: Invitae Variant Classification Sherloc (09022015). Collection method: clinical testing. Allele origin: germline.
Comment: This sequence change replaces arginine, which is basic and polar, with tryptophan, which is neutral and slightly polar, at codon 3790 of the ALMS1 protein (p.Arg3790Trp). This variant is present in population databases (rs752623561, gnomAD 0.004%). This variant has not been reported in the literature in individuals affected with ALMS1-related conditions. ClinVar contains an entry for this variant (Variation ID: 1053690). Experimental studies and prediction algorithms are not available or were not evaluated, and the functional significance of this variant is currently unknown. In summary, the available evidence is currently insufficient to determine the role of this variant in disease. Therefore, it has been classified as a Variant of Uncertain Significance.

Natera, Inc.
Classification: Uncertain significance for Alstrom syndrome. Last evaluated: 2020-08-20. Review status: no assertion criteria provided. Collection method: clinical testing. Allele origin: germline. Not counted in ClinVar's aggregate classification.